The following is an entry in ClinVar:

NM_024675.4(PALB2):c.1320dup (p.Lys441Ter)

Gene: PALB2 (partner and localizer of BRCA2; minus strand). Cytogenetic location: 16p12.2.
Variant type: Duplication.
Coding change: c.1320dup on transcript NM_024675.4 (MANE Select); coding-DNA position 1320, one base duplicated (T; older notation c.1320dupT).
Protein change: p.Lys441Ter; replaces lysine 441 with a stop codon.
Molecular consequence: nonsense.
Genome position (GRCh38, 1-based): chr16:23,635,226, A duplicated on the plus strand (T on the coding strand, the reverse complement: PALB2 is on the minus strand); the first of 3 consecutive A bases (chr16:23,635,226-23,635,228); duplicating any one gives the same sequence. VCF-style (leftmost placement, unchanged base first): chr16-23635225-T-TA. GRCh37 (hg19) VCF-style: chr16-23646546-T-TA.
Other names: c.1320dupT (NM_024675.3); short protein forms K441*.
Identifiers: ClinVar variation 1068690 (VCV001068690.9), dbSNP rs2142419403, ClinGen allele CA2499223438.

ClinVar aggregate classification (germline): Pathogenic. Review status: criteria provided, multiple submitters, no conflicts (2 of 4 stars). 3 submissions from 3 submitters: Pathogenic (3). Last evaluated 2025-06-09.

Conditions:
Hereditary cancer-predisposing syndrome. Also called: Hereditary neoplastic syndrome; Tumor predisposition; Hereditary Cancer Syndrome; Neoplastic Syndromes, Hereditary. Identifiers: Orphanet 140162, MedGen C0027672, MeSH D009386, MONDO:0015356.
Familial cancer of breast. Also called: hereditary breast carcinoma; BREAST CANCER, FAMILIAL; Hereditary breast cancer. Identifiers: Orphanet 227535, MedGen C0346153, MONDO:0016419, OMIM 114480. Disease mechanism: loss of function.

Submissions (3):

Ambry Genetics
Classification: Pathogenic for Hereditary cancer-predisposing syndrome. Last evaluated: 2025-06-09. Review status: criteria provided, single submitter. Criteria: Ambry Variant Classification Scheme 2023. Collection method: clinical testing. Allele origin: germline.
Comment: The c.1320dupT pathogenic mutation, located in coding exon 4 of the PALB2 gene, results from a duplication of T at nucleotide position 1320, causing a translational frameshift with a predicted alternate stop codon (p.K441*). This variant is considered to be rare based on population cohorts in the Genome Aggregation Database (gnomAD). This alteration is expected to result in loss of function by premature protein truncation or nonsense-mediated mRNA decay. As such, this alteration is interpreted as a disease-causing mutation.

Myriad Genetics, Inc.
Classification: Pathogenic for Familial cancer of breast. Last evaluated: 2023-09-08. Review status: criteria provided, single submitter. Criteria: Myriad Autosomal Dominant, Autosomal Recessive and X-Linked Classification Criteria (2023). Collection method: clinical testing. Allele origin: unknown.
Comment: This variant is considered pathogenic. This variant creates a termination codon and is predicted to result in premature protein truncation.

Labcorp Genetics (formerly Invitae), Labcorp
Classification: Pathogenic for Familial cancer of breast. Last evaluated: 2022-06-20. Review status: criteria provided, single submitter. Criteria: Invitae Variant Classification Sherloc (09022015). Collection method: clinical testing. Allele origin: germline.
Comment: For these reasons, this variant has been classified as Pathogenic. ClinVar contains an entry for this variant (Variation ID: 1068690). This variant has not been reported in the literature in individuals affected with PALB2-related conditions. This variant is not present in population databases (gnomAD no frequency). This sequence change creates a premature translational stop signal (p.Lys441*) in the PALB2 gene. It is expected to result in an absent or disrupted protein product. Loss-of-function variants in PALB2 are known to be pathogenic (PMID: 17200668, 17200671, 17200672, 24136930, 25099575).

Literature cited by the submitters: PubMed 17200668 (cited by Labcorp Genetics (formerly Invitae), Labcorp); PubMed 17200671 (cited by Labcorp Genetics (formerly Invitae), Labcorp); PubMed 17200672 (cited by Labcorp Genetics (formerly Invitae), Labcorp); PubMed 24136930 (cited by Labcorp Genetics (formerly Invitae), Labcorp); PubMed 25099575 (cited by Labcorp Genetics (formerly Invitae), Labcorp).